The following is an entry in ClinVar:

NM_201631.4(TGM5):c.1748A>G (p.Gln583Arg)

Gene: TGM5 (transglutaminase 5; minus strand). Cytogenetic location: 15q15.2.
Variant type: single nucleotide variant.
Coding change: c.1748A>G on transcript NM_201631.4 (MANE Select); coding-DNA position 1748, A replaced by G.
Protein change: p.Gln583Arg; replaces glutamine 583 with arginine.
Molecular consequence: missense variant.
Genome position (GRCh38, 1-based): chr15:43,234,896, T>C on the plus strand (A>G on the coding strand, the complement: TGM5 is on the minus strand). VCF-style: chr15-43234896-T-C. GRCh37 (hg19) VCF-style: chr15-43527094-T-C.
Other names: c.1502A>G, p.Gln501Arg (NM_004245.4); short protein forms Q501R, Q583R.
Identifiers: ClinVar variation 3360596 (VCV003360596.1).

ClinVar aggregate classification (germline): Uncertain significance (1 of 4 stars; one submission).

gnomAD v4.1: 11 of 1,614,134 alleles (0.00068%); highest among the groups gnomAD compares: South Asian, 0.0066%; no homozygotes.

Submission:

GeneDx
Classification: Uncertain significance. Last evaluated: 2023-06-30. Review status: criteria provided, single submitter. Criteria: GeneDx Variant Classification Process June 2021. Collection method: clinical testing. Allele origin: germline. Affected: yes.
Comment: Has not been previously published as pathogenic or benign to our knowledge; Not observed at significant frequency in large population cohorts (gnomAD); In silico analysis supports that this missense variant does not alter protein structure/function, but is inconclusive as to whether the variant alters gene splicing; in the absence of RNA/functional studies, the actual effect of this sequence change is unknown.